The following is an entry in ClinVar:

ClinVar aggregate classification (germline): Uncertain significance (1 of 4 stars; one submission).

Submission:

GeneDx
Classification: Uncertain significance. Last evaluated: 2020-01-23. Review status: criteria provided, single submitter. Criteria: GeneDx Variant Classification Process June 2021. Collection method: clinical testing. Allele origin: germline. Affected: yes.
Comment: Located in the cytoplasmic domain, which includes the second ATP binding domain, where pathogenic missense variants are known to cluster; In silico analysis, which includes protein predictors and evolutionary conservation, supports a deleterious effect; Has not been previously published as pathogenic or benign to our knowledge; Not observed in large population cohorts (Lek et al., 2016)

NM_001171.6(ABCC6):c.4487T>C (p.Leu1496Pro)

Gene: ABCC6 (ATP binding cassette subfamily C member 6; minus strand). Cytogenetic location: 16p13.11.
Variant type: single nucleotide variant.
Coding change: c.4487T>C on transcript NM_001171.6 (MANE Select); coding-DNA position 4487, T replaced by C.
Protein change: p.Leu1496Pro; replaces leucine 1496 with proline.
Molecular consequence: missense variant. On other transcripts: non-coding transcript variant (1).
Genome position (GRCh38, 1-based): chr16:16,150,158, A>G on the plus strand (T>C on the coding strand, the complement: ABCC6 is on the minus strand). VCF-style: chr16-16150158-A-G. GRCh37 (hg19) VCF-style: chr16-16244015-A-G.
Other names: c.4145T>C, p.Leu1382Pro (NM_001351800.1); short protein forms L1382P, L1496P.
Identifiers: ClinVar variation 1315187 (VCV001315187.2), dbSNP rs2152206685, ClinGen allele CA394883479.
Genomic context (GRCh38, chr16:16,150,158, plus strand): 5'-GCTGGTCCAACTGGGGTACGGTTGAGGGTCCTGGCTCAGACCAGGCCTGACTCCTGGGCC[A>G]GTCTGTAAAACAGGCCCTTCTGGGCCAGCAGCTGGGCCGGGCTGCCGCTCTCTGCCACCT-3'
Protein context (NP_001162.5, residues 1486-1503): LLAQKGLFYR[Leu1496Pro]AQESGLV